The following is an entry in ClinVar:

NM_001040108.2(MLH3):c.1468T>C (p.Ser490Pro)

Gene: MLH3 (mutL homolog 3; minus strand). Cytogenetic location: 14q24.3.
Variant type: single nucleotide variant.
Coding change: c.1468T>C on transcript NM_001040108.2 (MANE Select); coding-DNA position 1468, T replaced by C.
Protein change: p.Ser490Pro; replaces serine 490 with proline.
Molecular consequence: missense variant.
Genome position (GRCh38, 1-based): chr14:75,048,188, A>G on the plus strand (T>C on the coding strand, the complement: MLH3 is on the minus strand). VCF-style: chr14-75048188-A-G. GRCh37 (hg19) VCF-style: chr14-75514891-A-G.
Other names: c.1468T>C, p.Ser490Pro (NM_014381.3); short protein forms S490P.
Identifiers: ClinVar variation 1003436 (VCV001003436.6), dbSNP rs759885152, ClinGen allele CA7275869.

ClinVar aggregate classification (germline): Uncertain significance (1 of 4 stars; one submission).

Conditions:
Colorectal cancer, hereditary nonpolyposis, type 7. Identifiers: Orphanet 144, MedGen C1858380, MONDO:0013725, OMIM 614385.

Allele frequency attached by ClinVar (database versions not stated): gnomAD exomes below 0.00001; TOPMed 0.00001; ExAC 0.00002.

Submission:

Labcorp Genetics (formerly Invitae), Labcorp
Classification: Uncertain significance for Colorectal cancer, hereditary nonpolyposis, type 7. Last evaluated: 2023-09-19. Review status: criteria provided, single submitter. Criteria: Invitae Variant Classification Sherloc (09022015). Collection method: clinical testing. Allele origin: germline.
Comment: In summary, the available evidence is currently insufficient to determine the role of this variant in disease. Therefore, it has been classified as a Variant of Uncertain Significance. An algorithm developed to predict the effect of missense changes on protein structure and function (PolyPhen-2) suggests that this variant is likely to be tolerated. ClinVar contains an entry for this variant (Variation ID: 1003436). This variant has not been reported in the literature in individuals affected with MLH3-related conditions. This variant is present in population databases (rs759885152, gnomAD 0.007%). This sequence change replaces serine, which is neutral and polar, with proline, which is neutral and non-polar, at codon 490 of the MLH3 protein (p.Ser490Pro).